The following is an entry in ClinVar:

ClinVar aggregate classification (germline): Uncertain significance (1 of 4 stars; one submission).

gnomAD v4.1: 4 of 1,611,848 alleles (0.00025%); highest among the groups gnomAD compares: Non-Finnish European, 0.00025%; no homozygotes.

Submission:

GeneDx
Classification: Uncertain significance. Last evaluated: 2022-04-13. Review status: criteria provided, single submitter. Criteria: GeneDx Variant Classification Process June 2021. Collection method: clinical testing. Allele origin: germline. Affected: yes.
Comment: Not observed at significant frequency in large population cohorts (gnomAD); In silico analysis supports that this missense variant has a deleterious effect on protein structure/function; Has not been previously published as pathogenic or benign to our knowledge; Variants in candidate genes are classified as variants of uncertain significance in accordance with ACMG guidelines (Richards et al., 2015)

NM_003118.4(SPARC):c.44C>A (p.Ala15Asp)

Gene: SPARC (secreted protein acidic and cysteine rich; minus strand). Cytogenetic location: 5q33.1.
Variant type: single nucleotide variant.
Coding change: c.44C>A on transcript NM_003118.4 (MANE Select); coding-DNA position 44, C replaced by A.
Protein change: p.Ala15Asp; replaces alanine 15 with aspartic acid.
Molecular consequence: missense variant.
Genome position (GRCh38, 1-based): chr5:151,676,145, G>T on the plus strand (C>A on the coding strand, the complement: SPARC is on the minus strand). VCF-style: chr5-151676145-G-T. GRCh37 (hg19) VCF-style: chr5-151055706-G-T.
Other names: c.44C>A, p.Ala15Asp (NM_001309443.2, NM_001309444.2); short protein forms A15D.
Identifiers: ClinVar variation 1710778 (VCV001710778.2), dbSNP rs1760851716, ClinGen allele CA361838935.